The following is an entry in ClinVar:

ClinVar aggregate classification (germline): Benign. Review status: criteria provided, single submitter (1 of 4 stars). 2 submissions from 2 submitters: Benign (1). 1 of the submissions does not count toward it. Last evaluated 2024-04-03.

Conditions:
Familial adenomatous polyposis 1 (FAP1). Also called: POLYPOSIS, ADENOMATOUS INTESTINAL; FAMILIAL ADENOMATOUS POLYPOSIS 1, ATTENUATED. Identifiers: MedGen C2713442, MONDO:0021056, OMIM 175100. Disease mechanism: loss of function.
APC-related disorder. Also called: APC-related condition.

Submissions (2):

Myriad Genetics, Inc.
Classification: Benign for Familial adenomatous polyposis 1. Last evaluated: 2024-04-03. Review status: criteria provided, single submitter. Criteria: Myriad Autosomal Dominant, Autosomal Recessive and X-Linked Classification Criteria (2023). Collection method: clinical testing. Allele origin: unknown.
Comment: This variant is considered benign. This variant is a silent/synonymous amino acid change and it is not expected to impact splicing.

PreventionGenetics, part of Exact Sciences
Classification: Likely benign for APC-related condition. Last evaluated: 2022-12-07. Review status: no assertion criteria provided. Collection method: clinical testing. Allele origin: germline. Not counted in ClinVar's aggregate classification.
Comment: This variant is classified as likely benign based on ACMG/AMP sequence variant interpretation guidelines (Richards et al. 2015 PMID: 25741868, with internal and published modifications).

NM_000038.6(APC):c.6051C>T (p.Thr2017=)

Gene: APC (APC regulator of Wnt signaling pathway; plus strand). Cytogenetic location: 5q22.2.
Variant type: single nucleotide variant.
Coding change: c.6051C>T on transcript NM_000038.6 (MANE Select); coding-DNA position 6051, C replaced by T.
Protein change: p.Thr2017=; no amino-acid change (threonine 2017 retained).
Molecular consequence: synonymous variant. On other transcripts: non-coding transcript variant (2).
Genome position (GRCh38, 1-based): chr5:112,841,645, C>T. VCF-style: chr5-112841645-C-T. GRCh37 (hg19) VCF-style: chr5-112177342-C-T.
Other names: c.6051C>T, p.Thr2017= (NM_001127510.3, NM_001354895.2, NM_001407450.1); c.5997C>T, p.Thr1999= (NM_001127511.3); c.6105C>T, p.Thr2035= (NM_001354896.2, NM_001407447.1, NM_001407448.1 and 1 more transcripts); c.6081C>T, p.Thr2027= (NM_001354897.2); c.5976C>T, p.Thr1992= (NM_001354898.2); c.5967C>T, p.Thr1989= (NM_001354899.2); c.5928C>T, p.Thr1976= (NM_001354900.2); c.5874C>T, p.Thr1958= (NM_001354901.2, NM_001407453.1); and 11 more.
Identifiers: ClinVar variation 3053781 (VCV003053781.3), dbSNP rs2149955763, ClinGen allele CA446210175.